The following is an entry in ClinVar:

NM_000257.4(MYH7):c.2802T>C (p.Ala934=)

Gene: MYH7 (myosin heavy chain 7; minus strand). Cytogenetic location: 14q11.2.
Variant type: single nucleotide variant.
Coding change: c.2802T>C on transcript NM_000257.4 (MANE Select); coding-DNA position 2802, T replaced by C.
Protein change: p.Ala934=; no amino-acid change (alanine 934 retained).
Molecular consequence: synonymous variant.
Genome position (GRCh38, 1-based): chr14:23,424,027, A>G on the plus strand (T>C on the coding strand, the complement: MYH7 is on the minus strand). VCF-style: chr14-23424027-A-G. GRCh37 (hg19) VCF-style: chr14-23893236-A-G.
Other names: c.2802T>C, p.Ala934= (NM_001407004.1).
Identifiers: ClinVar variation 3073528 (VCV003073528.1), dbSNP rs397516174, ClinGen allele CA485767053.

ClinVar aggregate classification (germline): Likely benign (1 of 4 stars; one submission).

Conditions:
Cardiomyopathy (CMYO). Also called: Cardiomyopathies. Identifiers: Orphanet 167848, MedGen C0878544, MONDO:0004994, HP:0001638. Inheritance: Various modes of inheritance.

Submission:

All of Us Research Program, National Institutes of Health
Classification: Likely benign for Cardiomyopathy. Last evaluated: 2023-10-02. Review status: criteria provided, single submitter. Criteria: ACMG Guidelines, 2015. Collection method: clinical testing. Allele origin: germline. Inheritance: Autosomal dominant inheritance. Observed: 1 variant allele, 1 heterozygote.
Comment: This study involves interpretation of variants in research participants for the purpose of population health screening. Participant phenotype was not available at the time of variant classification. Additional details can be found in publication PMID: 35346344, PMCID: PMC8962531